The following is an entry in ClinVar:

NM_031372.4(HNRNPDL):c.937_938del (p.Val313fs)

Gene: HNRNPDL (heterogeneous nuclear ribonucleoprotein D like; minus strand). Cytogenetic location: 4q21.22.
Variant type: Deletion.
Coding change: c.937_938del on transcript NM_031372.4 (MANE Select); coding-DNA positions 937 to 938, 2 bases deleted (GT; older notation c.937_938delGT).
Protein change: p.Val313fs; shifts the reading frame from valine 313.
Molecular consequence: frameshift variant. On other transcripts: non-coding transcript variant (1).
Genome position (GRCh38, 1-based): chr4:82,427,273-82,427,274, AC deleted on the plus strand (GT on the coding strand, the reverse complement: HNRNPDL is on the minus strand). VCF-style (leftmost placement, unchanged base first): chr4-82427272-TAC-T. GRCh37 (hg19) VCF-style: chr4-83348425-TAC-T.
Other names: c.937_938del, p.Val313fs (NM_001207000.1); short protein forms V313fs.
Identifiers: ClinVar variation 2825516 (VCV002825516.3), dbSNP rs2530014058, ClinGen allele CA2739270118.
Genomic context (GRCh38, chr4:82,427,272, plus strand): 5'-ACCTCGTCCACCAGCTGCAGCACCTCTTCCACCTTTTTGTTGTTGCTGTTGCTGCCTATA[TAC>T]CTCTTTGGGTTGTGCAACTTTGATTTCACACTATAAACAAAAAACATGAAAGTATAATTT-3'

ClinVar aggregate classification (germline): Uncertain significance (1 of 4 stars; one submission).

Conditions:
Autosomal dominant limb-girdle muscular dystrophy type 1G (LGMDD3). Also called: Limb-girdle muscular dystrophy, type 1G; MUSCULAR DYSTROPHY, LIMB-GIRDLE, AUTOSOMAL DOMINANT 3. Identifiers: Orphanet 55596, MedGen C1836765, MONDO:0012193, OMIM 609115.

Submission:

Labcorp Genetics (formerly Invitae), Labcorp
Classification: Uncertain significance for Autosomal dominant limb-girdle muscular dystrophy type 1G. Last evaluated: 2022-12-31. Review status: criteria provided, single submitter. Criteria: Invitae Variant Classification Sherloc (09022015). Collection method: clinical testing. Allele origin: germline.
Comment: In summary, the available evidence is currently insufficient to determine the role of this variant in disease. Therefore, it has been classified as a Variant of Uncertain Significance. This variant has not been reported in the literature in individuals affected with HNRNPDL-related conditions. This variant is not present in population databases (gnomAD no frequency). This sequence change creates a premature translational stop signal (p.Val313Ilefs*2) in the HNRNPDL gene. It is expected to result in an absent or disrupted protein product. However, the current clinical and genetic evidence is not sufficient to establish whether loss-of-function variants in HNRNPDL cause disease.